The following is an entry in ClinVar:

NM_003200.5(TCF3):c.956-4A>C

Gene: TCF3 (transcription factor 3; minus strand). Cytogenetic location: 19p13.3.
Variant type: single nucleotide variant.
Coding change: c.956-4A>C on transcript NM_003200.5 (MANE Select); 4 bases into the intron before coding-DNA position 956, A replaced by C.
Molecular consequence: intron variant.
Genome position (GRCh38, 1-based): chr19:1,621,195, T>G on the plus strand (A>C on the coding strand, the complement: TCF3 is on the minus strand). VCF-style: chr19-1621195-T-G. GRCh37 (hg19) VCF-style: chr19-1621194-T-G.
Other names: c.956-4A>C (NM_001351778.2, NM_001136139.4, NM_001351779.2).
Identifiers: ClinVar variation 3689416 (VCV003689416.2).

ClinVar aggregate classification (germline): Uncertain significance (1 of 4 stars; one submission).

Submission:

Labcorp Genetics (formerly Invitae), Labcorp
Classification: Uncertain significance. Last evaluated: 2024-06-26. Review status: criteria provided, single submitter. Criteria: Invitae Variant Classification Sherloc (09022015). Collection method: clinical testing. Allele origin: germline.
Comment: This sequence change falls in intron 11 of the TCF3 gene. It does not directly change the encoded amino acid sequence of the TCF3 protein. This variant is not present in population databases (gnomAD no frequency). This variant has not been reported in the literature in individuals affected with TCF3-related conditions. Algorithms developed to predict the effect of sequence changes on RNA splicing suggest that this variant may disrupt the consensus splice site. In summary, the available evidence is currently insufficient to determine the role of this variant in disease. Therefore, it has been classified as a Variant of Uncertain Significance.